The following is an entry in ClinVar:

ClinVar aggregate classification (germline): Uncertain significance (1 of 4 stars; one submission).

Submission:

GeneDx
Classification: Uncertain significance. Last evaluated: 2024-01-31. Review status: criteria provided, single submitter. Criteria: GeneDx Variant Classification Process June 2021. Collection method: clinical testing. Allele origin: germline. Affected: yes.
Comment: Not observed at significant frequency in large population cohorts (gnomAD); In silico analysis supports that this missense variant does not alter protein structure/function; Has not been previously published as pathogenic or benign to our knowledge

NM_144687.4(NLRP12):c.2087T>C (p.Val696Ala)

Gene: NLRP12 (NLR family pyrin domain containing 12; minus strand). Cytogenetic location: 19q13.42.
Variant type: single nucleotide variant.
Coding change: c.2087T>C on transcript NM_144687.4 (MANE Select); coding-DNA position 2087, T replaced by C.
Protein change: p.Val696Ala; replaces valine 696 with alanine.
Molecular consequence: missense variant.
Genome position (GRCh38, 1-based): chr19:53,807,651, A>G on the plus strand (T>C on the coding strand, the complement: NLRP12 is on the minus strand). VCF-style: chr19-53807651-A-G. GRCh37 (hg19) VCF-style: chr19-54310905-A-G.
Other names: c.2090T>C, p.Val697Ala (NM_001277126.2); c.2087T>C, p.Val696Ala (NM_001277129.1); short protein forms V696A, V697A.
Identifiers: ClinVar variation 3368118 (VCV003368118.1).